The following is an entry in ClinVar:

NM_005918.4(MDH2):c.592G>A (p.Gly198Ser)

Gene: MDH2 (malate dehydrogenase 2; plus strand). Cytogenetic location: 7q11.23.
Variant type: single nucleotide variant.
Coding change: c.592G>A on transcript NM_005918.4 (MANE Select); coding-DNA position 592, G replaced by A.
Protein change: p.Gly198Ser; replaces glycine 198 with serine.
Molecular consequence: missense variant.
Genome position (GRCh38, 1-based): chr7:76,063,551, G>A. VCF-style: chr7-76063551-G-A. GRCh37 (hg19) VCF-style: chr7-75692869-G-A.
Other names: c.466G>A, p.Gly156Ser (NM_001282403.2); c.271G>A, p.Gly91Ser (NM_001282404.2); short protein forms G156S, G91S, G198S.
Identifiers: ClinVar variation 3293824 (VCV003293824.1).

ClinVar aggregate classification (germline): Uncertain significance (1 of 4 stars; one submission).

Conditions:
Inborn genetic diseases. Identifiers: MedGen C0950123, MeSH D030342.

Submission:

Ambry Genetics
Classification: Uncertain significance for Inborn genetic diseases. Last evaluated: 2024-03-16. Review status: criteria provided, single submitter. Criteria: Ambry Variant Classification Scheme 2023. Collection method: clinical testing. Allele origin: germline.
Comment: The p.G198S variant (also known as c.592G>A), located in coding exon 6 of the MDH2 gene, results from a G to A substitution at nucleotide position 592. The glycine at codon 198 is replaced by serine, an amino acid with similar properties. This amino acid position is conserved. In addition, this alteration is predicted to be deleterious by in silico analysis. Based on the available evidence, the clinical significance of this alteration remains unclear.